The following is an entry in ClinVar:

NM_153704.6(TMEM67):c.870-29A>G

Gene: TMEM67 (transmembrane protein 67; plus strand). Cytogenetic location: 8q22.1.
Variant type: single nucleotide variant.
Coding change: c.870-29A>G on transcript NM_153704.6 (MANE Select); 29 bases into the intron before coding-DNA position 870, A replaced by G.
Molecular consequence: intron variant.
Genome position (GRCh38, 1-based): chr8:93,780,845, A>G. VCF-style: chr8-93780845-A-G. GRCh37 (hg19) VCF-style: chr8-94793073-A-G.
Other names: c.627-29A>G (NM_001142301.1).
Identifiers: ClinVar variation 126308 (VCV000126308.9), dbSNP rs116802062, ClinGen allele CA151019.
Genomic context (GRCh38, chr8:93,780,845, plus strand): 5'-GAATTCAGTGCAGTTATTAATATATTCACAAATACTAATAATAAGAAATATTTATTCTCC[A>G]TTATTAAAACAGTTGTAACTGTTTATAGGAGACAGAATCTTCCTTGGCTGTTTTATGGAG-3'

ClinVar aggregate classification (germline): Benign. Review status: criteria provided, multiple submitters, no conflicts (2 of 4 stars). 4 submissions from 4 submitters: Benign (3). 1 of the submissions does not count toward it. Last evaluated 2018-09-26.

Allele frequency attached by ClinVar (database versions not stated): gnomAD 0.01936 and 0.01821; TOPMed 0.02053; 1000 Genomes Project 30x 0.02233; 1000 Genomes Project 0.02236; gnomAD exomes 0.00162 and 0.00456; ExAC 0.00543; ESP Exome Variant Server 0.01884.
gnomAD v4.1: 5,185 of 1,595,426 alleles (0.32%); highest among the groups gnomAD compares: African/African-American, 6.3%; 153 homozygotes.

Submissions (4):

GeneDx
Classification: Benign. Last evaluated: 2018-09-26. Review status: criteria provided, single submitter. Criteria: GeneDx Variant Classification Process June 2021. Collection method: clinical testing. Allele origin: germline. Affected: yes.

Breakthrough Genomics
Classification: Benign. Review status: criteria provided, single submitter. Criteria: ACMG Guidelines, 2015. Collection method: not provided. Allele origin: germline. Inheritance: Autosomal recessive inheritance. Affected: yes.

PreventionGenetics, part of Exact Sciences
Classification: Benign. Review status: criteria provided, single submitter. Criteria: ACMG Guidelines, 2015. Collection method: clinical testing. Allele origin: germline.

Genetic Services Laboratory, University of Chicago
Classification: Likely benign for AllHighlyPenetrant. Review status: no assertion criteria provided. Collection method: clinical testing. Allele origin: germline. Inheritance: Autosomal recessive inheritance. Observed: 1 variant allele. Not counted in ClinVar's aggregate classification.
Comment: Likely benign based on allele frequency in 1000 Genomes Project or ESP global frequency and its presence in a patient with a rare or unrelated disease phenotype. NOT Sanger confirmed.